The following is an entry in ClinVar:

ClinVar aggregate classification (germline): Uncertain significance (1 of 4 stars; one submission).

Conditions:
Glycine encephalopathy. Also called: Non-ketotic hyperglycinemia; Nonketotic hyperglycinemia. Identifiers: Orphanet 407, MedGen C0751748, MONDO:0011612, HP:0008288.

Allele frequency attached by ClinVar (database versions not stated): gnomAD exomes below 0.00001; TOPMed below 0.00001.
gnomAD v4.1: 1 of 1,612,940 alleles (0.000062%); highest among the groups gnomAD compares: African/African-American, 0.0013%; no homozygotes.

Submission:

Labcorp Genetics (formerly Invitae), Labcorp
Classification: Uncertain significance for Glycine encephalopathy. Last evaluated: 2022-06-14. Review status: criteria provided, single submitter. Criteria: Invitae Variant Classification Sherloc (09022015). Collection method: clinical testing. Allele origin: germline.
Comment: This sequence change replaces isoleucine, which is neutral and non-polar, with valine, which is neutral and non-polar, at codon 571 of the GLDC protein (p.Ile571Val). This variant is not present in population databases (gnomAD no frequency). This variant has not been reported in the literature in individuals affected with GLDC-related conditions. Advanced modeling of protein sequence and biophysical properties (such as structural, functional, and spatial information, amino acid conservation, physicochemical variation, residue mobility, and thermodynamic stability) performed at Invitae indicates that this missense variant is not expected to disrupt GLDC protein function. In summary, the available evidence is currently insufficient to determine the role of this variant in disease. Therefore, it has been classified as a Variant of Uncertain Significance.

NM_000170.3(GLDC):c.1711A>G (p.Ile571Val)

Gene: GLDC (glycine decarboxylase; minus strand). Cytogenetic location: 9p24.1.
Variant type: single nucleotide variant.
Coding change: c.1711A>G on transcript NM_000170.3 (MANE Select); coding-DNA position 1711, A replaced by G.
Protein change: p.Ile571Val; replaces isoleucine 571 with valine.
Molecular consequence: missense variant.
Genome position (GRCh38, 1-based): chr9:6,587,280, T>C on the plus strand (A>G on the coding strand, the complement: GLDC is on the minus strand). VCF-style: chr9-6587280-T-C. GRCh37 (hg19) VCF-style: chr9-6587280-T-C.
Other names: short protein forms I571V.
Identifiers: ClinVar variation 1923149 (VCV001923149.5), dbSNP rs1488639676, ClinGen allele CA372891924.